The following is an entry in ClinVar:

NM_000081.4(LYST):c.2363+10dup

Gene: LYST (lysosomal trafficking regulator; minus strand). Cytogenetic location: 1q42.3.
Variant type: Duplication.
Coding change: c.2363+10dup on transcript NM_000081.4 (MANE Select); 10 bases into the intron after coding-DNA position 2363, one base duplicated (T; older notation c.2363+10dupT).
Molecular consequence: intron variant.
Genome position (GRCh38, 1-based): chr1:235,808,445, A duplicated on the plus strand (T on the coding strand, the reverse complement: LYST is on the minus strand). VCF-style (leftmost placement, unchanged base first): chr1-235808444-C-CA. GRCh37 (hg19) VCF-style: chr1-235971744-C-CA.
Other names: c.2363+10dup (NM_001301365.1); c.2363+10dupT (NM_000081.3).
Identifiers: ClinVar variation 296422 (VCV000296422.19), dbSNP rs760632806, ClinGen allele CA1467319.
Genomic context (GRCh38, chr1:235,808,444, plus strand): 5'-AGCATCCAATGAAAAAGATCTAGACATGCTCAACAACCCCCGCCCCCGCCGCCACCCACA[C>CA]ACATACAAACCTGGATTTAAGCAGGATAGGCAGAGTTTTTACATAAATCTGAAGCACGTC-3'

ClinVar aggregate classification (germline): Likely benign. Review status: criteria provided, multiple submitters, no conflicts (2 of 4 stars). 6 submissions from 6 submitters: Likely benign (5). 1 of the submissions does not count toward it. Last evaluated 2026-02-02.

Conditions:
Chédiak-Higashi syndrome (CHS). Also called: Chediak-Higashi Syndrome. Identifiers: Orphanet 167, MedGen C0007965, MONDO:0008963, OMIM 214500.

Allele frequency attached by ClinVar (database versions not stated): gnomAD 0.00055 and 0.00058; TOPMed 0.00058; ExAC 0.00059; gnomAD exomes 0.00060 and 0.00096; ESP Exome Variant Server 0.00104.

Submissions (6):

Labcorp Genetics (formerly Invitae), Labcorp
Classification: Likely benign for Chédiak-Higashi syndrome. Last evaluated: 2026-02-02. Review status: criteria provided, single submitter. Criteria: Invitae Variant Classification Sherloc (09022015). Collection method: clinical testing. Allele origin: germline.

Blueprint Genetics
Classification: Likely benign. Last evaluated: 2024-05-13. Review status: criteria provided, single submitter. Criteria: ACMG Guidelines, 2015. Collection method: clinical testing. Allele origin: germline.

Women's Health and Genetics/Laboratory Corporation of America, LabCorp
Classification: Likely benign. Last evaluated: 2023-08-15. Review status: criteria provided, single submitter. Criteria: LabCorp Variant Classification Summary - May 2015. Collection method: clinical testing. Allele origin: germline.
Comment: Variant summary: LYST c.2363+10dupT alters a nucleotide located at a position not widely known to affect splicing. 4/4 computational tools predict no significant impact on normal splicing. However, these predictions have yet to be confirmed by functional studies. The variant allele was found at a frequency of 0.00059 in 281428 control chromosomes, predominantly at a frequency of 0.0011 within the Latino subpopulation in the gnomAD database. This frequency is equal to estimated for a pathogenic variant in LYST causing Chediak-Higashi Syndrome (0.0011 vs 0.0011), strongly suggesting that the variant is a benign polymorphism found primarily in populations of Latino origin. To our knowledge, no occurrence of c.2363+10dupT in individuals affected with Chediak-Higashi Syndrome and no experimental evidence demonstrating its impact on protein function have been reported. Four submitters have cited clinical-significance assessments for this variant to ClinVar after 2014 classified this variant as uncertain significance (n=1) and likely benign (n=3). Based on the evidence outlined above, the variant was classified as likely benign.

Genome Diagnostics Laboratory, University Medical Center Utrecht
Classification: Likely benign for Chédiak-Higashi syndrome. Last evaluated: 2017-11-01. Review status: criteria provided, single submitter. Criteria: ACGS Guidelines, 2013. Collection method: clinical testing. Allele origin: germline. Affected: yes. Study: VKGL Data-share Consensus.

Clinical Genetics DNA and cytogenetics Diagnostics Lab, Erasmus MC, Erasmus Medical Center
Classification: Likely benign for Chédiak-Higashi syndrome. Last evaluated: 2017-06-28. Review status: criteria provided, single submitter. Criteria: ACGS Guidelines, 2013. Collection method: clinical testing. Allele origin: germline. Affected: yes. Study: VKGL Data-share Consensus.

Clinical Genetics, Academic Medical Center
Classification: Benign. Review status: no assertion criteria provided. Collection method: clinical testing. Allele origin: germline. Affected: yes. Study: VKGL Data-share Consensus. Not counted in ClinVar's aggregate classification.